The following is an entry in ClinVar:

ClinVar aggregate classification (germline): Uncertain significance (1 of 4 stars; one submission).

Submission:

GeneDx
Classification: Uncertain significance. Last evaluated: 2023-06-23. Review status: criteria provided, single submitter. Criteria: GeneDx Variant Classification Process June 2021. Collection method: clinical testing. Allele origin: germline. Affected: yes.
Comment: Not observed at significant frequency in large population cohorts (gnomAD); In silico analysis supports that this missense variant has a deleterious effect on protein structure/function; Has not been previously published as pathogenic or benign to our knowledge; Variants in candidate genes are classified as variants of uncertain significance in accordance with ACMG guidelines (Richards et al., 2015)

NM_000809.4(GABRA4):c.594T>G (p.Ser198Arg)

Gene: GABRA4 (gamma-aminobutyric acid type A receptor subunit alpha4; minus strand). Cytogenetic location: 4p12.
Variant type: single nucleotide variant.
Coding change: c.594T>G on transcript NM_000809.4 (MANE Select); coding-DNA position 594, T replaced by G.
Protein change: p.Ser198Arg; replaces serine 198 with arginine.
Molecular consequence: missense variant.
Genome position (GRCh38, 1-based): chr4:46,974,359, A>C on the plus strand (T>G on the coding strand, the complement: GABRA4 is on the minus strand). VCF-style: chr4-46974359-A-C. GRCh37 (hg19) VCF-style: chr4-46976376-A-C.
Other names: c.537T>G, p.Ser179Arg (NM_001204266.2, NM_001204267.2); short protein forms S179R, S198R.
Identifiers: ClinVar variation 3360343 (VCV003360343.1).
Genomic context (GRCh38, chr4:46,974,359, plus strand): 5'-AGACTCCTTCGGAACTTCAACTGATTTCTCAGGACCTTTTGTCCAGGTATAGATCATCTC[A>C]CTCTTTGGATAGGCATCTAAAAGAGAGCACAGAATGTGGTTAGAGTCAATGCTCCTTTTT-3'
Protein context (NP_000800.2, residues 188-208): LKFGSYAYPK[Ser198Arg]EMIYTWTKGP